The following is an entry in ClinVar:

NM_000136.3(FANCC):c.456+4A>T

Gene: FANCC (FA complementation group C; minus strand). Cytogenetic location: 9q22.32.
Variant type: single nucleotide variant.
Coding change: c.456+4A>T on transcript NM_000136.3 (MANE Select); 4 bases into the intron after coding-DNA position 456, A replaced by T.
Molecular consequence: intron variant.
Genome position (GRCh38, 1-based): chr9:95,172,033, T>A on the plus strand (A>T on the coding strand, the complement: FANCC is on the minus strand). VCF-style: chr9-95172033-T-A. GRCh37 (hg19) VCF-style: chr9-97934315-T-A.
Other names: IVS5+4A>T; IVS4+4A>T; IVS4, A-T, +4; c.456+4A>T (NM_001243743.2, NM_001243744.2).
Identifiers: ClinVar variation 12045 (VCV000012045.77), dbSNP rs104886456, ClinGen allele CA287219.

ClinVar aggregate classification (germline): Pathogenic. Review status: criteria provided, multiple submitters, no conflicts (2 of 4 stars). 29 submissions from 29 submitters: Pathogenic (24). 5 of the submissions do not count toward it. Last evaluated 2026-03-27.

Conditions:
FANCC-related disorder. Also called: FANCC-related condition.
Hereditary cancer-predisposing syndrome. Also called: Tumor predisposition; Hereditary Cancer Syndrome; Hereditary neoplastic syndrome; Neoplastic Syndromes, Hereditary. Identifiers: Orphanet 140162, MedGen C0027672, MeSH D009386, MONDO:0015356.
Fanconi anemia (FA). Also called: Fanconi's anemia. Identifiers: Orphanet 84, MedGen C0015625, MeSH D005199, MONDO:0019391.
Fanconi anemia complementation group C (FANCC). Also called: FANCC-Related Fanconi Anemia; Fanconi anemia, group C; FANCONI PANCYTOPENIA, TYPE 3; FACC. Identifiers: Orphanet 84, MedGen C3468041, MONDO:0009213, OMIM 227645.
Malignant tumor of breast. Also called: Malignant breast neoplasm; Cancer breast. Identifiers: MedGen C0006142, MONDO:0007254. Disease mechanism: loss of function.

Allele frequency attached by ClinVar (database versions not stated): ExAC 0.00024; gnomAD 0.00021; gnomAD exomes 0.00015 and 0.00029; TOPMed 0.00020.
gnomAD v4.1: 267 of 1,556,608 alleles (0.017%); highest among the groups gnomAD compares: Admixed American, 0.005%; no homozygotes.

Submissions 1 to 8 of 29:

Ambry Genetics
Classification: Pathogenic for Hereditary cancer-predisposing syndrome. Last evaluated: 2026-03-27. Review status: criteria provided, single submitter. Criteria: Ambry Variant Classification Scheme 2023. Collection method: clinical testing. Allele origin: germline.
Comment: The c.456+4A>T intronic variant consists of an A to T substitution 4 nucleotides after exon 5 (coding exon 4) of the FANCC gene. Based on data from gnomAD, the T allele has an overall frequency of 0.027% (76/281922) total alleles studied. The highest observed frequency was 0.618% (64/10356) of Ashkenazi Jewish alleles. This variant has been identified in the homozygous state and in conjunction with other FANCC variant(s) in individual(s) with features consistent with Fanconi anemia, and it is the most common pathogenic variant in FANCC in individuals of Ashkenazi Jewish descent (Whitney, 1993; Whitney, 1994; Verlander, 1994; Yamashita, 1996; Futaki, 2000; Kutler, 2004; Chandrasekharappa, 2013; Aftab, 2017). This variant was also identified in 7/10030 consecutive patients referred for evaluation by an NGS hereditary cancer panel (Susswein, 2016). Of note, this variant is also designated as IVS4+4A>T and c.711+4A>T in published literature. This nucleotide position is highly conserved in available vertebrate species. RNA studies have demonstrated that this alteration results in aberrant mRNA splicing (Whitney, 1993; Chandrasekharappa, 2013). In silico splice site analysis predicts that this alteration will weaken the native splice donor site and may result in the creation or strengthening of a novel splice donor site. Based on the available evidence, this alteration is classified as pathogenic.

Labcorp Genetics (formerly Invitae), Labcorp
Classification: Pathogenic for Fanconi anemia. Last evaluated: 2026-02-01. Review status: criteria provided, single submitter. Criteria: Invitae Variant Classification Sherloc (09022015). Collection method: clinical testing. Allele origin: germline.
Comment: This sequence change falls in intron 5 of the FANCC gene. It does not directly change the encoded amino acid sequence of the FANCC protein. It affects a nucleotide within the consensus splice site. This variant is present in population databases (rs104886456, gnomAD 0.6%). This variant has been observed in individuals with Fanconi anemia (PMID: 8081385, 8348157, 10666230). It has also been observed to segregate with disease in related individuals. This variant is also known as IVS4+4A>T. ClinVar contains an entry for this variant (Variation ID: 12045). Variants that disrupt the consensus splice site are a relatively common cause of aberrant splicing (PMID: 17576681, 9536098). Algorithms developed to predict the effect of sequence changes on RNA splicing suggest that this variant may disrupt the consensus splice site. For these reasons, this variant has been classified as Pathogenic.

Victorian Clinical Genetics Services, Murdoch Childrens Research Institute
Classification: Pathogenic for Fanconi anemia complementation group C. Last evaluated: 2026-01-16. Review status: criteria provided, single submitter. Criteria: ACMG Guidelines, 2015. Collection method: clinical testing. Allele origin: germline. Affected: yes.
Comment: This variant is classified as Pathogenic. Evidence in support of pathogenic classification: Splice site variant proven to affect splicing of the transcript with uncertain effect on protein sequence. This variant in intron 5 has been shown to result in exon 5 skipping, as well as the partial deletion of exon 5 via the use of a cryptic donor site (PMID: 8348157, 23613520); Variant is present in gnomAD <0.01 for a recessive condition (v4: 267 heterozygote(s), 0 homozygote(s)); This variant has strong previous evidence of pathogenicity in unrelated individuals. This variant has been classified as pathogenic by multiple clinical laboratories in ClinVar. Additional information: This variant is homozygous; This gene is associated with autosomal recessive disease; Loss of function is a known mechanism of disease in this gene and is associated with Fanconi anaemia, complementation group C (MIM#227645); Inheritance information for this variant is not currently available in this individual.

Dasa
Classification: Pathogenic. Last evaluated: 2026-01-04. Review status: criteria provided, single submitter. Criteria: DASA Assertion Criteria. Collection method: clinical testing. Allele origin: germline.
Comment: NM_000136.3(FANCC):c.456+4A>T is a splice-region variant predicted to affect normal RNA splicing. This variant has been observed in affected individuals with related phenotype in a genotype context consistent with recessive disease (PMID: 28717661; PMID: 28425259; PMID: 31513304; PMID: 10666230; PMID: 8348157). Functional evidence supports a deleterious effect on the gene or gene product (PMID: 28717661; PMID: 28425259; PMID: 31513304; PMID: 10666230; PMID: 8348157). This variant has been recurrently observed in individuals with related phenotype (PMID: 28717661; PMID: 28425259; PMID: 31513304; PMID: 10666230; PMID: 8348157). Multiple computational predictions support a deleterious effect on the gene or gene product. The variant is present at low frequency in population datasets. Based on the available data, this variant is classified as pathogenic.

PreventionGenetics, part of Exact Sciences
Classification: Pathogenic for FANCC-related condition. Last evaluated: 2025-12-05. Review status: criteria provided, single submitter. Criteria: ACMG Guidelines, 2015. Collection method: clinical testing. Allele origin: germline.
Comment: The FANCC c.456+4A>T variant is predicted to interfere with splicing. This well-documented splicing variant in the FANCC gene is one of the more common variants known to cause Fanconi anemia and is present at a particularly high frequency among the Ashkenazi Jewish population (For example see: reported as IVS4+4 A>T, Whitney et al. 1993. PubMed ID: 8348157; reported as IVS4 + 4 A>T, Merrill et al. 2005. PubMed ID: 15662710; Chandrasekharappa et al. 2013. PubMed ID: 23613520). This variant is reported in 0.62% of alleles in individuals of Ashkenazi Jewish descent in gnomAD and is interpreted as pathogenic in ClinVar (Variation ID: 12045﻿). This variant is interpreted as pathogenic.

Natera, Inc.
Classification: Pathogenic for Fanconi anemia. Last evaluated: 2025-11-17. Review status: criteria provided, single submitter. Criteria: Natera Variant Classification Schema (03/2026). Collection method: clinical testing. Allele origin: germline.
Comment: The c.456+4A>T variant in FANCC is an intronic variant located outside the canonical splice sites. This variant has been observed in one or more individuals affected with the associated recessive disease, as either homozygous or compound heterozygous with a second variant (PMID: 33224012, 16084127, 28425259). Given the available evidence, this variant is classified as Pathogenic.

Women's Health and Genetics/Laboratory Corporation of America, LabCorp
Classification: Pathogenic for Fanconi anemia complementation group C. Last evaluated: 2025-03-05. Review status: criteria provided, single submitter. Criteria: LabCorp Variant Classification Summary - May 2015. Collection method: clinical testing. Allele origin: germline.
Comment: Variant summary: FANCC c.456+4A>T alters a conserved nucleotide located close to a canonical splice site and therefore could affect mRNA splicing, leading to a significantly altered protein sequence. Several computational tools predict a significant impact on normal splicing: One predict the variant abolishes the canonical 5' splicing donor site. Two predict the variant weakens the canonical 5' donor site. One predict the variant no significant impact on splicing. At least one publication reports experimental evidence that this variant affects mRNA splicing by exon skipping (Yamashita_1996). The variant allele was found at a frequency of 0.00029 in 250510 control chromosomes. c.456+4A>T has been reported in the literature in multiple individuals affected with Fanconi Anemia Group C (Yamashita_1996). These data indicate that the variant is very likely to be associated with disease. The following publication has been ascertained in the context of this evaluation (PMID: 8639804). ClinVar contains an entry for this variant (Variation ID: 12045). Based on the evidence outlined above, the variant was classified as pathogenic.

Revvity Omics, Revvity
Classification: Pathogenic for Fanconi anemia complementation group C. Last evaluated: 2025-02-12. Review status: criteria provided, single submitter. Criteria: ACMG Guidelines, 2015. Collection method: clinical testing. Allele origin: germline.